The following is an entry in ClinVar:

NM_021098.3(CACNA1H):c.4986C>T (p.Phe1662=)

Gene: CACNA1H (calcium voltage-gated channel subunit alpha1 H; plus strand). Cytogenetic location: 16p13.3.
Variant type: single nucleotide variant.
Coding change: c.4986C>T on transcript NM_021098.3 (MANE Select); coding-DNA position 4986, C replaced by T.
Protein change: p.Phe1662=; no amino-acid change (phenylalanine 1662 retained).
Molecular consequence: synonymous variant.
Genome position (GRCh38, 1-based): chr16:1,215,028, C>T. VCF-style: chr16-1215028-C-T. GRCh37 (hg19) VCF-style: chr16-1265028-C-T.
Other names: c.4968C>T, p.Phe1656= (NM_001005407.2).
Identifiers: ClinVar variation 529621 (VCV000529621.15), dbSNP rs60938322, ClinGen allele CA7801728.

ClinVar aggregate classification (germline): Benign/Likely benign. Review status: criteria provided, multiple submitters, no conflicts (2 of 4 stars). 3 submissions from 3 submitters: Benign (1); Likely benign (1). 1 of the submissions does not count toward it. Last evaluated 2026-02-01.

Conditions:
Idiopathic generalized epilepsy. Also called: Generalised epilepsy; EIG. Identifiers: MedGen C0270850, MONDO:0005579, OMIM 600669.
Hyperaldosteronism, familial, type IV (HALD4). Also called: FH IV; ALDOSTERONISM, PRIMARY, AND HYPERTENSION. Identifiers: Orphanet 642671, MedGen C4310756, MONDO:0014875, OMIM 617027.
CACNA1H-related disorder.

Allele frequency attached by ClinVar (database versions not stated): gnomAD exomes 0.00027 and 0.00055; ESP Exome Variant Server 0.00032; gnomAD 0.00038 and 0.00039; TOPMed 0.00043; 1000 Genomes Project 30x 0.00047; ExAC 0.00058; 1000 Genomes Project 0.00060.
gnomAD v4.1: 497 of 1,612,978 alleles (0.031%); highest among the groups gnomAD compares: Middle Eastern, 0.12%; 4 homozygotes.

Submissions (3):

Labcorp Genetics (formerly Invitae), Labcorp
Classification: Benign for Idiopathic generalized epilepsy; Hyperaldosteronism, familial, type IV. Last evaluated: 2026-02-01. Review status: criteria provided, single submitter. Criteria: Invitae Variant Classification Sherloc (09022015). Collection method: clinical testing. Allele origin: germline.

Blueprint Genetics
Classification: Likely benign. Last evaluated: 2024-11-21. Review status: criteria provided, single submitter. Criteria: ACMG Guidelines, 2015. Collection method: clinical testing. Allele origin: germline.

PreventionGenetics, part of Exact Sciences
Classification: Benign for CACNA1H-related condition. Last evaluated: 2019-04-23. Review status: no assertion criteria provided. Collection method: clinical testing. Allele origin: germline. Not counted in ClinVar's aggregate classification.
Comment: This variant is classified as benign based on ACMG/AMP sequence variant interpretation guidelines (Richards et al. 2015 PMID: 25741868, with internal and published modifications).